The following is an entry in ClinVar:

ClinVar aggregate classification (germline): Pathogenic. Review status: criteria provided, multiple submitters, no conflicts (2 of 4 stars). 2 submissions from 2 submitters: Pathogenic (2). Last evaluated 2025-05-08.

Conditions:
LARS2-Related Disorders.

Allele frequency attached by ClinVar (database versions not stated): gnomAD exomes below 0.00001 and 0.00002; ExAC 0.00002.

Submissions (2):

Women's Health and Genetics/Laboratory Corporation of America, LabCorp
Classification: Pathogenic for LARS2-Related Disorders. Last evaluated: 2025-05-08. Review status: criteria provided, single submitter. Criteria: LabCorp Variant Classification Summary - May 2015. Collection method: clinical testing. Allele origin: germline.
Comment: Variant summary: LARS2 c.1540_1541delAA (p.Lys514GlufsX11) results in a premature termination codon, predicted to cause a truncation of the encoded protein or absence of the protein due to nonsense mediated decay, which are commonly known mechanisms for disease. The variant allele was found at a frequency of 1.6e-05 in 251460 control chromosomes. To our knowledge, no occurrence of c.1540_1541delAA in individuals affected with LARS2-Related Disorders and no experimental evidence demonstrating its impact on protein function have been reported. ClinVar contains an entry for this variant (Variation ID: 1354734). Based on the evidence outlined above, the variant was classified as pathogenic.

Labcorp Genetics (formerly Invitae), Labcorp
Classification: Pathogenic. Last evaluated: 2024-12-04. Review status: criteria provided, single submitter. Criteria: Invitae Variant Classification Sherloc (09022015). Collection method: clinical testing. Allele origin: germline.
Comment: This sequence change creates a premature translational stop signal (p.Lys514Glufs*11) in the LARS2 gene. It is expected to result in an absent or disrupted protein product. Loss-of-function variants in LARS2 are known to be pathogenic (PMID: 23541342, 30737337). This variant is present in population databases (rs759532553, gnomAD 0.01%). This variant has not been reported in the literature in individuals affected with LARS2-related conditions. ClinVar contains an entry for this variant (Variation ID: 1354734). For these reasons, this variant has been classified as Pathogenic.

Literature cited by the submitters: PubMed 23541342 (cited by Labcorp Genetics (formerly Invitae), Labcorp); PubMed 30737337 (cited by Labcorp Genetics (formerly Invitae), Labcorp).

NM_015340.4(LARS2):c.1540_1541del (p.Lys514fs)

Genes: LARS2 (leucyl-tRNA synthetase 2, mitochondrial; plus strand), LARS2-AS1 (LARS2 antisense RNA 1; minus strand). Cytogenetic location: 3p21.31.
Variant type: Deletion.
Coding change: c.1540_1541del on transcript NM_015340.4 (MANE Select); coding-DNA positions 1540 to 1541, 2 bases deleted (AA; older notation c.1540_1541delAA).
Protein change: p.Lys514fs; shifts the reading frame from lysine 514.
Molecular consequence: frameshift variant.
Genome position (GRCh38, 1-based): chr3:45,496,291-45,496,292, AA deleted. VCF-style (leftmost placement, unchanged base first): chr3-45496290-CAA-C. GRCh37 (hg19) VCF-style: chr3-45537782-CAA-C.
Other names: c.1540_1541delAA (NM_015340.4); c.1540_1541del, p.Lys514fs (NM_001368263.1); short protein forms K514fs.
Identifiers: ClinVar variation 1354734 (VCV001354734.7), dbSNP rs759532553, ClinGen allele CA2349634.
Genomic context (GRCh38, chr3:45,496,290, plus strand): 5'-AAAATTTAAAAAGAAACCAATTGATGAATTTCATTTCTTTCTTAGGTGCAAGGGAGCAGC[CAA>C]GAGAGAGACAGACACGATGGATACCTTTGTTGATTCTGCTTGGTACTACTTCAGATACAC-3'